The following is an entry in ClinVar:

ClinVar aggregate classification (germline): Pathogenic (1 of 4 stars; one submission).

Conditions:
Bifunctional peroxisomal enzyme deficiency (DBIF). Also called: DBP DEFICIENCY; D-bifunctional protein deficiency; PBFE DEFICIENCY. Identifiers: Orphanet 300, MedGen C0342870, MONDO:0009855, OMIM 261515. Disease mechanism: loss of function.

Submission:

Myriad Genetics, Inc.
Classification: Pathogenic for Bifunctional peroxisomal enzyme deficiency. Last evaluated: 2026-06-19. Review status: criteria provided, single submitter. Criteria: Myriad Autosomal Dominant, Autosomal Recessive and X-Linked Classification Criteria (2023). Collection method: clinical testing. Allele origin: unknown.
Comment: NM_000414.3(HSD17B4):c.145_152del8ins73(G49Nfs*18) is a frameshift variant classified as pathogenic in the context of HSD17B4-related disorders. G49Nfs*18 has not been observed in cases with relevant disease. Relevant functional assessments of this variant are not available in the literature. G49Nfs*18 has not been observed in referenced population frequency databases. In summary, NM_000414.3(HSD17B4):c.145_152del8ins73(G49Nfs*18) is a frameshift variant in a gene where loss of function is a known mechanism of disease and is predicted to disrupt protein function. Please note: this variant was assessed in the context of healthy population screening.

NM_000414.4(HSD17B4):c.145_152delinsAATATAATCTTTGAGCAAATATCTCAGTATTCCAGTATAATTATGATTTTCTAAGTCTGCCAAAGTTTTCTGA (p.Gly49_Gly51delinsAsnIleIlePheGluGlnIleSerGlnTyrSerSerIleIleMetIlePheTer)

Gene: HSD17B4 (hydroxysteroid 17-beta dehydrogenase 4; plus strand). Cytogenetic location: 5q23.1.
Variant type: Indel.
Coding change: c.145_152delinsAATATAATCTTTGAGCAAATATCTCAGTATTCCAGTATAATTATGATTTTCTAAGTCTGCCAAAGTTTTCTGA on transcript NM_000414.4 (MANE Select); coding-DNA positions 145 to 152, the reference bases replaced by an inserted sequence.
Protein change: p.Gly49_Gly51delinsAsnIleIlePheGluGlnIleSerGlnTyrSerSerIleIleMetIlePheTer.
Molecular consequence: nonsense. On other transcripts: 5 prime UTR variant (6), non-coding transcript variant (2).
Genome position (GRCh38, 1-based): chr5:119,473,940-119,473,947, 8 bases replaced. GRCh37 (hg19): chr5:118,809,635-118,809,642.
Other names: c.220_227delinsAATATAATCTTTGAGCAAATATCTCAGTATTCCAGTATAATTATGATTTTCTAAGTCTGCCAAAGTTTTCTGA, p.Gly74_Gly76delinsAsnIleIlePheGluGlnIleSerGlnTyrSerSerIleIleMetIlePheTer (NM_001199291.3); c.91_98delinsAATATAATCTTTGAGCAAATATCTCAGTATTCCAGTATAATTATGATTTTCTAAGTCTGCCAAAGTTTTCTGA, p.Gly31_Gly33delinsAsnIleIlePheGluGlnIleSerGlnTyrSerSerIleIleMetIlePheTer (NM_001199292.2); c.73_80delinsAATATAATCTTTGAGCAAATATCTCAGTATTCCAGTATAATTATGATTTTCTAAGTCTGCCAAAGTTTTCTGA, p.Gly25_Gly27delinsAsnIleIlePheGluGlnIleSerGlnTyrSerSerIleIleMetIlePheTer (NM_001292027.2); c.-267_-260delinsAATATAATCTTTGAGCAAATATCTCAGTATTCCAGTATAATTATGATTTTCTAAGTCTGCCAAAGTTTTCTGA (NM_001292028.2, NM_001374501.1); c.145_152delinsAATATAATCTTTGAGCAAATATCTCAGTATTCCAGTATAATTATGATTTTCTAAGTCTGCCAAAGTTTTCTGA, p.Gly49_Gly51delinsAsnIleIlePheGluGlnIleSerGlnTyrSerSerIleIleMetIlePheTer (NM_001374497.1, NM_001374498.1); c.-136_-129delinsAATATAATCTTTGAGCAAATATCTCAGTATTCCAGTATAATTATGATTTTCTAAGTCTGCCAAAGTTTTCTGA (NM_001374499.1); c.-394_-387delinsAATATAATCTTTGAGCAAATATCTCAGTATTCCAGTATAATTATGATTTTCTAAGTCTGCCAAAGTTTTCTGA (NM_001374500.1); c.-272_-265delinsAATATAATCTTTGAGCAAATATCTCAGTATTCCAGTATAATTATGATTTTCTAAGTCTGCCAAAGTTTTCTGA (NM_001374502.1, NM_001374503.1).
Identifiers: ClinVar variation 5004740 (VCV005004740.1).